The following is an entry in ClinVar:

NM_000423.3(KRT2):c.1458C>T (p.Gly486=)

Gene: KRT2 (keratin 2; minus strand). Cytogenetic location: 12q13.13.
Variant type: single nucleotide variant.
Coding change: c.1458C>T on transcript NM_000423.3 (MANE Select); coding-DNA position 1458, C replaced by T.
Protein change: p.Gly486=; no amino-acid change (glycine 486 retained).
Molecular consequence: synonymous variant.
Genome position (GRCh38, 1-based): chr12:52,646,751, G>A on the plus strand (C>T on the coding strand, the complement: KRT2 is on the minus strand). VCF-style: chr12-52646751-G-A. GRCh37 (hg19) VCF-style: chr12-53040535-G-A.
Identifiers: ClinVar variation 4993784 (VCV004993784.1).

ClinVar aggregate classification (germline): Uncertain significance (1 of 4 stars; one submission).

Conditions:
KRT2-related disorder. Also called: KRT2-related condition.

Submission:

PreventionGenetics, part of Exact Sciences
Classification: Uncertain significance for KRT2-related condition. Last evaluated: 2026-08-07. Review status: criteria provided, single submitter. Criteria: ACMG Guidelines, 2015. Collection method: clinical testing. Allele origin: germline.
Comment: The KRT2 c.1458C>T variant is not predicted to result in an amino acid change (p.=). This variant is predicted to increase the strength of a cryptic splice site (SpliceAI score >0.2, Jaganathan et al. 2019. PubMed ID: 30661751). To our knowledge, this variant has not been reported in the literature. This variant is present in 0.0080% of alleles in individuals of African descent in gnomAD. At this time, the clinical significance of this variant is uncertain due to the absence of conclusive functional and genetic evidence.